The following is an entry in ClinVar:

NM_032229.3(SLITRK6):c.1862T>C (p.Ile621Thr)

Gene: SLITRK6 (SLIT and NTRK like family member 6; minus strand). Cytogenetic location: 13q31.1.
Variant type: single nucleotide variant.
Coding change: c.1862T>C on transcript NM_032229.3 (MANE Select); coding-DNA position 1862, T replaced by C.
Protein change: p.Ile621Thr; replaces isoleucine 621 with threonine.
Molecular consequence: missense variant.
Genome position (GRCh38, 1-based): chr13:85,794,647, A>G on the plus strand (T>C on the coding strand, the complement: SLITRK6 is on the minus strand). VCF-style: chr13-85794647-A-G. GRCh37 (hg19) VCF-style: chr13-86368782-A-G.
Other names: short protein forms I621T.
Identifiers: ClinVar variation 3166129 (VCV003166129.3), dbSNP rs202181583, ClinGen allele CA7015008.
Genomic context (GRCh38, chr13:85,794,647, plus strand): 5'-TTTTTGTATCTTCTCCTGCGGTGAAGAACAAGAACCACTATCCCTGCAGCACAGAAAACA[A>G]TAGTGATGAACATAATCAGAAGTCCCAATATTAGAACAGACAGTGGCACAGCGTCCGTAA-3'
Protein context (NP_115605.2, residues 611-631): ILGLLIMFIT[Ile621Thr]VFCAAGIVVL

ClinVar aggregate classification (germline): Uncertain significance. Review status: criteria provided, multiple submitters, no conflicts (2 of 4 stars). 2 submissions from 2 submitters: Uncertain significance (2). Last evaluated 2025-05-05.

Conditions:
Inborn genetic diseases. Identifiers: MedGen C0950123, MeSH D030342.

Allele frequency attached by ClinVar (database versions not stated): gnomAD exomes 0.00003; ExAC 0.00009; ESP Exome Variant Server 0.00057; TOPMed 0.00022; gnomAD 0.00017.
gnomAD v4.1: 68 of 1,613,338 alleles (0.0042%); highest among the groups gnomAD compares: African/African-American, 0.064%; no homozygotes.

Submissions (2):

GeneDx
Classification: Uncertain significance. Last evaluated: 2025-05-05. Review status: criteria provided, single submitter. Criteria: GeneDx Variant Classification Process June 2021. Collection method: clinical testing. Allele origin: germline.
Comment: In silico analysis suggests that this missense variant does not alter protein structure/function; Has not been previously published as pathogenic or benign to our knowledge

Ambry Genetics
Classification: Uncertain significance for Inborn genetic diseases. Last evaluated: 2024-01-16. Review status: criteria provided, single submitter. Criteria: Ambry Variant Classification Scheme 2023. Collection method: clinical testing. Allele origin: germline.